The following is an entry in ClinVar:

NM_001384140.1(PCDH15):c.582del (p.Pro195fs)

Gene: PCDH15 (protocadherin related 15; minus strand). Cytogenetic location: 10q21.1.
Variant type: Deletion.
Coding change: c.582del on transcript NM_001384140.1 (MANE Select); coding-DNA position 582, one base deleted (T; older notation c.582delT).
Protein change: p.Pro195fs; shifts the reading frame from proline 195.
Molecular consequence: frameshift variant.
Genome position (GRCh38, 1-based): chr10:54,346,377, A deleted on the plus strand (T on the coding strand, the reverse complement: PCDH15 is on the minus strand). VCF-style (leftmost placement, unchanged base first): chr10-54346376-GA-G. GRCh37 (hg19) VCF-style: chr10-56106136-GA-G.
Other names: c.597del, p.Pro200fs (NM_001142763.2, NM_001142771.2); c.582del, p.Pro195fs (NM_001142764.2, NM_001142765.2, NM_001142766.2 and 8 more transcripts); c.516del, p.Pro173fs (NM_001142768.2, NM_001142773.2, NM_001354404.2); c.597delT, p.Pro200Glnfs (NM_001142769.4); short protein forms P173fs, P195fs, P200fs.
Identifiers: ClinVar variation 5012473 (VCV005012473.1).

ClinVar aggregate classification (germline): Pathogenic (1 of 4 stars; one submission).

Conditions:
Usher syndrome type 1F (USH1F). Also called: USHER SYNDROME, TYPE IF. Identifiers: Orphanet 231169, Orphanet 886, MedGen C1865885, MONDO:0011186, OMIM 602083.

Submission:

Myriad Genetics, Inc.
Classification: Pathogenic for Usher syndrome type 1F. Last evaluated: 2023-11-11. Review status: criteria provided, single submitter. Criteria: Myriad Autosomal Dominant, Autosomal Recessive and X-Linked Classification Criteria (2023). Collection method: clinical testing. Allele origin: unknown.
Comment: NM_033056.3(PCDH15):c.582delT(P195Qfs*14) is expected to be pathogenic in the context of PCDH15-related disorders. This variant is predicted to lead to an abnormal or absent protein product due to the creation of a premature termination codon in PCDH15, a gene where loss-of-function variants are known to be pathogenic. Please note: this variant was assessed in the context of healthy population screening.